The following is an entry in ClinVar:

ClinVar aggregate classification (germline): Likely pathogenic (1 of 4 stars; one submission).

Conditions:
Cardiovascular phenotype. Identifiers: MedGen CN230736.

Submission:

Ambry Genetics
Classification: Likely pathogenic for Cardiovascular phenotype. Last evaluated: 2025-12-16. Review status: criteria provided, single submitter. Criteria: Ambry Variant Classification Scheme 2023. Collection method: clinical testing. Allele origin: germline.
Comment: The c.12541delG (p.V4181Lfs*27) alteration, located in exon 45 (coding exon 44) of the TTN gene, consists of a deletion of one nucleotide at position 12541, causing a translational frameshift with a predicted alternate stop codon after 27 amino acids. This variant is expected to result in loss of function by premature protein truncation or nonsense-mediated mRNA decay. This variant was not reported in population-based cohorts in the Genome Aggregation Database (gnomAD). This exon is located in the I-band region of the N2-B isoform of the titin protein and is constitutively expressed in TTN transcripts (percent spliced in or PSI 100%). While truncating variants in TTN are present in 1-3% of the general population, truncating variants in the A-band are the most common cause of dilated cardiomyopathy (Herman, 2012; Roberts, 2015). TTN truncating variants encoded in constitutive exons (PSI >90%) have been found to be significantly associated with DCM regardless of their position in titin (Schafer, 2017; Akhtar, 2020; Massier, 2025). Based on the available evidence, this alteration is classified as likely pathogenic.

Literature cited by the submitters: PubMed 22335739; PubMed 25589632; PubMed 27869827; PubMed 32964742; PubMed 39844436.

NM_001267550.2(TTN):c.13630del (p.Val4544fs)

Gene: TTN (titin; minus strand). Cytogenetic location: 2q31.2.
Variant type: Deletion.
Coding change: c.13630del on transcript NM_001267550.2 (MANE Select); coding-DNA position 13630, one base deleted (G; older notation c.13630delG).
Protein change: p.Val4544fs; shifts the reading frame from valine 4544.
Molecular consequence: frameshift variant. On other transcripts: intron variant (1).
Genome position (GRCh38, 1-based): chr2:178,739,603, C deleted on the plus strand (G on the coding strand, the reverse complement: TTN is on the minus strand); the first of 3 consecutive C bases (chr2:178,739,603-178,739,605); deleting any one gives the same sequence. VCF-style (leftmost placement, unchanged base first): chr2-178739602-AC-A. GRCh37 (hg19) VCF-style: chr2-179604329-AC-A.
Other names: c.12541delG (NM_003319.4); c.12679del, p.Val4227fs (NM_001256850.1); c.12541del, p.Val4181fs (NM_003319.4); c.12916del, p.Val4306fs (NM_133432.3); c.13117del, p.Val4373fs (NM_133437.4); c.10361-1243del (NM_133378.4); short protein forms V4227fs, V4306fs, V4181fs, V4373fs, V4544fs.
Identifiers: ClinVar variation 4832984 (VCV004832984.1).